The following is an entry in ClinVar:

NM_170784.3(MKKS):c.1637T>G (p.Leu546Arg)

Gene: MKKS (MKKS centrosomal shuttling protein; minus strand). Cytogenetic location: 20p12.2.
Variant type: single nucleotide variant.
Coding change: c.1637T>G on transcript NM_170784.3 (MANE Select); coding-DNA position 1637, T replaced by G.
Protein change: p.Leu546Arg; replaces leucine 546 with arginine.
Molecular consequence: missense variant. On other transcripts: non-coding transcript variant (1).
Genome position (GRCh38, 1-based): chr20:10,405,323, A>C on the plus strand (T>G on the coding strand, the complement: MKKS is on the minus strand). VCF-style: chr20-10405323-A-C. GRCh37 (hg19) VCF-style: chr20-10385971-A-C.
Other names: c.1637T>G, p.Leu546Arg (NM_018848.3); short protein forms L546R.
Identifiers: ClinVar variation 4993314 (VCV004993314.1).

ClinVar aggregate classification (germline): Uncertain significance (1 of 4 stars; one submission).

Conditions:
MKKS-related disorder. Also called: MKKS-related disorders; MKKS-related condition.

Submission:

PreventionGenetics, part of Exact Sciences
Classification: Uncertain significance for MKKS-related condition. Last evaluated: 2026-06-16. Review status: criteria provided, single submitter. Criteria: ACMG Guidelines, 2015. Collection method: clinical testing. Allele origin: germline.
Comment: The MKKS c.1637T>G variant is predicted to result in the amino acid substitution p.Leu546Arg. To our knowledge, this variant has not been reported in the literature or in a large population database (gnomAD), indicating this variant is rare. At this time, the clinical significance of this variant is uncertain due to the absence of conclusive functional and genetic evidence.